The following is an entry in ClinVar:

ClinVar aggregate classification (germline): Uncertain significance (1 of 4 stars; one submission).

Conditions:
Hereditary cancer-predisposing syndrome. Also called: Tumor predisposition; Hereditary neoplastic syndrome; Hereditary Cancer Syndrome; Neoplastic Syndromes, Hereditary. Identifiers: Orphanet 140162, MedGen C0027672, MeSH D009386, MONDO:0015356.

Submission:

Ambry Genetics
Classification: Uncertain significance for Hereditary cancer-predisposing syndrome. Last evaluated: 2025-04-18. Review status: criteria provided, single submitter. Criteria: Ambry Variant Classification Scheme 2023. Collection method: clinical testing. Allele origin: germline.
Comment: The p.L856R variant (also known as c.2567T>G), located in coding exon 22 of the TSC2 gene, results from a T to G substitution at nucleotide position 2567. The leucine at codon 856 is replaced by arginine, an amino acid with dissimilar properties. This amino acid position is conserved. In addition, this alteration is predicted to be deleterious by in silico analysis. Based on the available evidence, the clinical significance of this variant remains unclear.

NM_000548.5(TSC2):c.2567T>G (p.Leu856Arg)

Gene: TSC2 (TSC complex subunit 2; plus strand). Cytogenetic location: 16p13.3.
Variant type: single nucleotide variant.
Coding change: c.2567T>G on transcript NM_000548.5 (MANE Select); coding-DNA position 2567, T replaced by G.
Protein change: p.Leu856Arg; replaces leucine 856 with arginine.
Molecular consequence: missense variant. On other transcripts: non-coding transcript variant (5).
Genome position (GRCh38, 1-based): chr16:2,075,820, T>G. VCF-style: chr16-2075820-T-G. GRCh37 (hg19) VCF-style: chr16-2125821-T-G.
Other names: c.2657T>G, p.Leu886Arg (NM_001406667.1, NM_001406668.1); c.2456T>G, p.Leu819Arg (NM_001406670.1, NM_001318827.2, NM_001406678.1); c.2555T>G, p.Leu852Arg (NM_001406671.1, NM_001406673.1); c.2420T>G, p.Leu807Arg (NM_001406675.1, NM_001318829.2, NM_001406676.1 and 1 more transcripts); c.1967T>G, p.Leu656Arg (NM_001406686.1, NM_001406687.1, NM_001406688.1 and 6 more transcripts); c.1223T>G, p.Leu408Arg (NM_001406689.1, NM_001406690.1, NM_001406691.1 and 6 more transcripts); c.2567T>G, p.Leu856Arg (NM_001077183.3, NM_001114382.3, NM_001363528.2 and 6 more transcripts); c.2600T>G, p.Leu867Arg (NM_001318832.2); and 3 more; short protein forms L656R, L807R, L856R, L408R, L837R, L852R, L886R, L322R.
Identifiers: ClinVar variation 3974664 (VCV003974664.1).